The following is an entry in ClinVar:

NM_001242896.3(DEPDC5):c.2576C>T (p.Thr859Met)

Gene: DEPDC5 (DEP domain containing 5, GATOR1 subcomplex subunit; plus strand). Cytogenetic location: 22q12.3.
Variant type: single nucleotide variant.
Coding change: c.2576C>T on transcript NM_001242896.3 (MANE Select); coding-DNA position 2576, C replaced by T.
Protein change: p.Thr859Met; replaces threonine 859 with methionine.
Molecular consequence: missense variant. On other transcripts: non-coding transcript variant (5).
Genome position (GRCh38, 1-based): chr22:31,843,155, C>T. VCF-style: chr22-31843155-C-T. GRCh37 (hg19) VCF-style: chr22-32239141-C-T.
Other names: c.2549C>T, p.Thr850Met (NM_001136029.4, NM_001369903.1, NM_014662.6); c.2342C>T, p.Thr781Met (NM_001242897.2, NM_001363854.2, NM_001364319.2); c.2576C>T, p.Thr859Met (NM_001363852.2, NM_001364318.2, NM_001364320.2); c.2492C>T, p.Thr831Met (NM_001369901.1, NM_001369902.1); short protein forms T859M, T781M, T831M, T850M.
Identifiers: ClinVar variation 534801 (VCV000534801.19), dbSNP rs200744555, ClinGen allele CA10196752.

ClinVar aggregate classification (germline): Conflicting classifications of pathogenicity. Review status: criteria provided, conflicting classifications (1 of 4 stars). 7 submissions from 7 submitters: Uncertain significance (5); Likely benign (1). 1 of the submissions does not count toward it. Last evaluated 2025-12-27.

Conditions:
DEPDC5-related disorder. Also called: DEPDC5-related condition; DEPDC5-related related disorder.
Epilepsy, familial focal, with variable foci 1 (FFEVF1). Also called: DEPDC5-Related Epilepsy. Identifiers: MedGen C4551983, MONDO:0024556, OMIM 604364.
Inborn genetic diseases. Identifiers: MedGen C0950123, MeSH D030342.
Familial focal epilepsy with variable foci (FPEVF). Identifiers: Orphanet 98820, MedGen C1858477, MONDO:0020310.

Allele frequency attached by ClinVar (database versions not stated): gnomAD 0.00007; TOPMed 0.00009; ESP Exome Variant Server 0.00016.
gnomAD v4.1: 266 of 1,614,154 alleles (0.016%); highest among the groups gnomAD compares: Non-Finnish European, 0.021%; no homozygotes.

Submissions (7):

Labcorp Genetics (formerly Invitae), Labcorp
Classification: Uncertain significance for Familial focal epilepsy with variable foci. Last evaluated: 2025-12-27. Review status: criteria provided, single submitter. Criteria: Invitae Variant Classification Sherloc (09022015). Collection method: clinical testing. Allele origin: germline.
Comment: This sequence change replaces threonine, which is neutral and polar, with methionine, which is neutral and non-polar, at codon 859 of the DEPDC5 protein (p.Thr859Met). This variant is present in population databases (rs200744555, gnomAD 0.02%). This variant has not been reported in the literature in individuals affected with DEPDC5-related conditions. ClinVar contains an entry for this variant (Variation ID: 534801). Experimental studies and prediction algorithms are not available or were not evaluated, and the functional significance of this variant is currently unknown. In summary, the available evidence is currently insufficient to determine the role of this variant in disease. Therefore, it has been classified as a Variant of Uncertain Significance.

Ambry Genetics
Classification: Likely benign for Inborn genetic diseases. Last evaluated: 2024-11-10. Review status: criteria provided, single submitter. Criteria: Ambry Variant Classification Scheme 2023. Collection method: clinical testing. Allele origin: germline.

Women's Health and Genetics/Laboratory Corporation of America, LabCorp
Classification: Uncertain significance. Last evaluated: 2023-11-14. Review status: criteria provided, single submitter. Criteria: LabCorp Variant Classification Summary - May 2015. Collection method: clinical testing. Allele origin: germline.
Comment: Variant summary: DEPDC5 c.2576C>T (p.Thr859Met) results in a non-conservative amino acid change in the encoded protein sequence. Three of five in-silico tools predict a damaging effect of the variant on protein function. The variant allele was found at a frequency of 0.00011 in 249544 control chromosomes. To our knowledge, no occurrence of c.2576C>T in individuals affected with Epilepsy, Familial Focal, With Variable Foci 1 and no experimental evidence demonstrating its impact on protein function have been reported. Four submitters have cited clinical-significance assessments for this variant to ClinVar after 2014. Based on the evidence outlined above, the variant was classified as uncertain significance.

PreventionGenetics, part of Exact Sciences
Classification: Uncertain significance for DEPDC5-related condition. Last evaluated: 2023-02-27. Review status: criteria provided, single submitter. Criteria: ACMG Guidelines, 2015. Collection method: clinical testing. Allele origin: germline.
Comment: The DEPDC5 c.2576C>T variant is predicted to result in the amino acid substitution p.Thr859Met. To our knowledge, this variant has not been reported in the literature in association with disease. This variant is reported in 0.017% of alleles in individuals of non-Finish European descent in gnomAD. Although we suspect that this variant may be benign, at this time, the clinical significance is uncertain due to the absence of conclusive functional and genetic evidence.

New York Genome Center
Classification: Uncertain significance for Epilepsy, familial focal, with variable foci 1. Last evaluated: 2020-01-10. Review status: criteria provided, single submitter. Criteria: NYGC Assertion Criteria 2020. Collection method: clinical testing. Allele origin: germline. Observed: 1 heterozygote. Study: CSER-NYCKidSeq.

Fulgent Genetics
Classification: Uncertain significance for Epilepsy, familial focal, with variable foci 1. Last evaluated: 2018-10-31. Review status: criteria provided, single submitter. Criteria: ACMG Guidelines, 2015. Collection method: clinical testing. Allele origin: unknown.

GeneDx
Classification: Likely benign. Last evaluated: 2018-11-30. Review status: flagged submission. Criteria: GeneDx Variant Classification Process June 2021. Collection method: clinical testing. Allele origin: germline. Affected: yes. Not counted in ClinVar's aggregate classification.
ClinVar note: Reason: Outlier claim with insufficient supporting evidence